The following is an entry in ClinVar:

ClinVar aggregate classification (germline): Uncertain significance (1 of 4 stars; one submission).

gnomAD v4.1: 17 of 1,375,402 alleles (0.0012%); highest among the groups gnomAD compares: Non-Finnish European, 0.0016%; no homozygotes.

Submission:

Labcorp Genetics (formerly Invitae), Labcorp
Classification: Uncertain significance. Last evaluated: 2024-02-27. Review status: criteria provided, single submitter. Criteria: Invitae Variant Classification Sherloc (09022015). Collection method: clinical testing. Allele origin: germline.
Comment: This sequence change affects codon 468 of the MAGEL2 mRNA. It is a 'silent' change, meaning that it does not change the encoded amino acid sequence of the MAGEL2 protein. This variant is present in population databases (no rsID available, gnomAD 0.01%). This variant has not been reported in the literature in individuals affected with MAGEL2-related conditions. In summary, the available evidence is currently insufficient to determine the role of this variant in disease. Therefore, it has been classified as a Variant of Uncertain Significance.

NM_019066.5(MAGEL2):c.1404C>T (p.Ala468=)

Gene: MAGEL2 (MAGE family member L2; minus strand). Cytogenetic location: 15q11.2.
Variant type: single nucleotide variant.
Coding change: c.1404C>T on transcript NM_019066.5 (MANE Select); coding-DNA position 1404, C replaced by T.
Protein change: p.Ala468=; no amino-acid change (alanine 468 retained).
Molecular consequence: synonymous variant.
Genome position (GRCh38, 1-based): chr15:23,646,339, G>A on the plus strand (C>T on the coding strand, the complement: MAGEL2 is on the minus strand). VCF-style: chr15-23646339-G-A. GRCh37 (hg19) VCF-style: chr15-23891486-G-A.
Identifiers: ClinVar variation 3615908 (VCV003615908.2).